The following is an entry in ClinVar:

NM_001378454.1(ALMS1):c.253G>A (p.Gly85Ser)

Gene: ALMS1 (ALMS1 centrosome and basal body associated protein; plus strand). Cytogenetic location: 2p13.1.
Variant type: single nucleotide variant.
Coding change: c.253G>A on transcript NM_001378454.1 (MANE Select); coding-DNA position 253, G replaced by A.
Protein change: p.Gly85Ser; replaces glycine 85 with serine.
Molecular consequence: missense variant.
Genome position (GRCh38, 1-based): chr2:73,386,121, G>A. VCF-style: chr2-73386121-G-A. GRCh37 (hg19) VCF-style: chr2-73613249-G-A.
Other names: c.256G>A, p.Gly86Ser (NM_015120.4); short protein forms G85S, G86S.
Identifiers: ClinVar variation 2140809 (VCV002140809.5), dbSNP rs747529471, ClinGen allele CA1712781.

ClinVar aggregate classification (germline): Uncertain significance. Review status: criteria provided, multiple submitters, no conflicts (2 of 4 stars). 3 submissions from 3 submitters: Uncertain significance (3). Last evaluated 2024-02-02.

Conditions:
Cardiovascular phenotype. Identifiers: MedGen CN230736.
Alstrom syndrome (ALMS). Identifiers: Orphanet 64, MedGen C0268425, MONDO:0008763, OMIM 203800.

Allele frequency attached by ClinVar (database versions not stated): TOPMed below 0.00001; gnomAD exomes 0.00001; ExAC 0.00003.
gnomAD v4.1: 11 of 1,579,074 alleles (0.0007%); highest among the groups gnomAD compares: South Asian, 0.0047%; no homozygotes.

Submissions (3):

Labcorp Genetics (formerly Invitae), Labcorp
Classification: Uncertain significance for Alstrom syndrome. Last evaluated: 2024-02-02. Review status: criteria provided, single submitter. Criteria: Invitae Variant Classification Sherloc (09022015). Collection method: clinical testing. Allele origin: germline.
Comment: This sequence change replaces glycine, which is neutral and non-polar, with serine, which is neutral and polar, at codon 86 of the ALMS1 protein (p.Gly86Ser). This variant is present in population databases (rs747529471, gnomAD 0.008%). This variant has not been reported in the literature in individuals affected with ALMS1-related conditions. ClinVar contains an entry for this variant (Variation ID: 2140809). Experimental studies and prediction algorithms are not available or were not evaluated, and the functional significance of this variant is currently unknown. In summary, the available evidence is currently insufficient to determine the role of this variant in disease. Therefore, it has been classified as a Variant of Uncertain Significance.

Ambry Genetics
Classification: Uncertain significance for Cardiovascular phenotype. Last evaluated: 2023-06-28. Review status: criteria provided, single submitter. Criteria: Ambry Variant Classification Scheme 2023. Collection method: clinical testing. Allele origin: germline.
Comment: The p.G86S variant (also known as c.256G>A), located in coding exon 1 of the ALMS1 gene, results from a G to A substitution at nucleotide position 256. The glycine at codon 86 is replaced by serine, an amino acid with similar properties. This amino acid position is not well conserved in available vertebrate species. In addition, this alteration is predicted to be tolerated by in silico analysis. Since supporting evidence is limited at this time, the clinical significance of this alteration remains unclear.

New York Genome Center
Classification: Uncertain significance for Alstrom syndrome. Last evaluated: 2023-01-03. Review status: criteria provided, single submitter. Criteria: NYGC Assertion Criteria 2020. Collection method: clinical testing. Allele origin: germline. Observed: 1 heterozygote.